The following is an entry in ClinVar:

NM_020778.5(ALPK3):c.1654-174T>C

Gene: ALPK3 (alpha kinase 3; plus strand). Cytogenetic location: 15q25.3.
Variant type: single nucleotide variant.
Coding change: c.1654-174T>C on transcript NM_020778.5 (MANE Select); 174 bases into the intron before coding-DNA position 1654, T replaced by C.
Molecular consequence: intron variant.
Genome position (GRCh38, 1-based): chr15:84,856,218, T>C. VCF-style: chr15-84856218-T-C. GRCh37 (hg19) VCF-style: chr15-85399449-T-C.
Identifiers: ClinVar variation 678447 (VCV000678447.1), dbSNP rs73437960, ClinGen allele CA273623378.

ClinVar aggregate classification (germline): Benign (1 of 4 stars; one submission).

Allele frequency attached by ClinVar (database versions not stated): gnomAD 0.13967 and 0.14105; TOPMed 0.14312; 1000 Genomes Project 0.14477; 1000 Genomes Project 30x 0.14663.
gnomAD v4.1: 21,335 of 152,140 alleles (14%); highest among the groups gnomAD compares: East Asian, 19%; 1,671 homozygotes.

Submission:

GeneDx
Classification: Benign. Last evaluated: 2018-06-14. Review status: criteria provided, single submitter. Criteria: GeneDx Variant Classification (06012015). Collection method: clinical testing. Allele origin: germline. Affected: yes.
Comment: This variant is considered likely benign or benign based on one or more of the following criteria: it is a conservative change, it occurs at a poorly conserved position in the protein, it is predicted to be benign by multiple in silico algorithms, and/or has population frequency not consistent with disease.